The following is an entry in ClinVar:

ClinVar aggregate classification (germline): Uncertain significance (1 of 4 stars; one submission).

Conditions:
Mitochondrial DNA depletion syndrome 9 (MTDPS9). Also called: SUCLG1-Related Mitochondrial DNA Depletion Syndrome, Encephalomyopathic Form with Methylmalonic Aciduria. Identifiers: Orphanet 17, MedGen C3151476, MONDO:0009504, OMIM 245400.

Submission:

Labcorp Genetics (formerly Invitae), Labcorp
Classification: Uncertain significance for Mitochondrial DNA depletion syndrome 9. Last evaluated: 2023-12-22. Review status: criteria provided, single submitter. Criteria: Invitae Variant Classification Sherloc (09022015). Collection method: clinical testing. Allele origin: germline.
Comment: This sequence change replaces alanine, which is neutral and non-polar, with aspartic acid, which is acidic and polar, at codon 128 of the SUCLG1 protein (p.Ala128Asp). This variant is not present in population databases (gnomAD no frequency). This variant has not been reported in the literature in individuals affected with SUCLG1-related conditions. ClinVar contains an entry for this variant (Variation ID: 2096063). Advanced modeling of protein sequence and biophysical properties (such as structural, functional, and spatial information, amino acid conservation, physicochemical variation, residue mobility, and thermodynamic stability) has been performed at Invitae for this missense variant, however the output from this modeling did not meet the statistical confidence thresholds required to predict the impact of this variant on SUCLG1 protein function. In summary, the available evidence is currently insufficient to determine the role of this variant in disease. Therefore, it has been classified as a Variant of Uncertain Significance.

NM_003849.4(SUCLG1):c.383C>A (p.Ala128Asp)

Gene: SUCLG1 (succinate-CoA ligase GDP/ADP-forming subunit alpha; minus strand). Cytogenetic location: 2p11.2.
Variant type: single nucleotide variant.
Coding change: c.383C>A on transcript NM_003849.4 (MANE Select); coding-DNA position 383, C replaced by A.
Protein change: p.Ala128Asp; replaces alanine 128 with aspartic acid.
Molecular consequence: missense variant.
Genome position (GRCh38, 1-based): chr2:84,441,395, G>T on the plus strand (C>A on the coding strand, the complement: SUCLG1 is on the minus strand). VCF-style: chr2-84441395-G-T. GRCh37 (hg19) VCF-style: chr2-84668519-G-T.
Other names: short protein forms A128D.
Identifiers: ClinVar variation 2096063 (VCV002096063.4), dbSNP rs2468630743, ClinGen allele CA347515865.